The following is an entry in ClinVar:

ClinVar aggregate classification (germline): Uncertain significance (1 of 4 stars; one submission).

Allele frequency attached by ClinVar (database versions not stated): TOPMed 0.00002; gnomAD 0.00004; gnomAD exomes 0.00006; ExAC 0.00007; ESP Exome Variant Server 0.00008; 1000 Genomes Project 30x 0.00016; 1000 Genomes Project 0.00020.
gnomAD v4.1: 59 of 1,613,618 alleles (0.0037%); highest among the groups gnomAD compares: Middle Eastern, 0.033%; no homozygotes.

Submission:

Labcorp Genetics (formerly Invitae), Labcorp
Classification: Uncertain significance. Last evaluated: 2022-08-15. Review status: criteria provided, single submitter. Criteria: Invitae Variant Classification Sherloc (09022015). Collection method: clinical testing. Allele origin: germline.
Comment: This variant has not been reported in the literature in individuals affected with MCM4-related conditions. In summary, the available evidence is currently insufficient to determine the role of this variant in disease. Therefore, it has been classified as a Variant of Uncertain Significance. Algorithms developed to predict the effect of missense changes on protein structure and function (SIFT, PolyPhen-2, Align-GVGD) all suggest that this variant is likely to be tolerated. ClinVar contains an entry for this variant (Variation ID: 1394350). This variant is present in population databases (rs188119740, gnomAD 0.04%). This sequence change replaces alanine, which is neutral and non-polar, with threonine, which is neutral and polar, at codon 846 of the MCM4 protein (p.Ala846Thr).

NM_182746.3(MCM4):c.2536G>A (p.Ala846Thr)

Gene: MCM4 (minichromosome maintenance complex component 4; plus strand). Cytogenetic location: 8q11.21.
Variant type: single nucleotide variant.
Coding change: c.2536G>A on transcript NM_182746.3 (MANE Select); coding-DNA position 2536, G replaced by A.
Protein change: p.Ala846Thr; replaces alanine 846 with threonine.
Molecular consequence: missense variant.
Genome position (GRCh38, 1-based): chr8:47,976,722, G>A. VCF-style: chr8-47976722-G-A. GRCh37 (hg19) VCF-style: chr8-48889282-G-A.
Other names: c.2536G>A, p.Ala846Thr (NM_005914.4); short protein forms A846T.
Identifiers: ClinVar variation 1394350 (VCV001394350.6), dbSNP rs188119740, ClinGen allele CA4742957.